The following is an entry in ClinVar:

NM_025136.4(OPA3):c.273C>T (p.Ile91=)

Genes: OPA3 (outer mitochondrial membrane lipid metabolism regulator OPA3; minus strand), OPA3-RTN2 (OPA3-RTN2 readthrough; minus strand). Cytogenetic location: 19q13.32.
Variant type: single nucleotide variant.
Coding change: c.273C>T on transcript NM_025136.4 (MANE Select); coding-DNA position 273, C replaced by T.
Protein change: p.Ile91=; no amino-acid change (isoleucine 91 retained).
Molecular consequence: synonymous variant. On other transcripts: intron variant (1).
Genome position (GRCh38, 1-based): chr19:45,553,781, G>A on the plus strand (C>T on the coding strand, the complement: OPA3 is on the minus strand). VCF-style: chr19-45553781-G-A. GRCh37 (hg19) VCF-style: chr19-46057039-G-A.
Other names: c.143-24325C>T (NM_001017989.3).
Identifiers: ClinVar variation 509477 (VCV000509477.10), dbSNP rs369545089, ClinGen allele CA9517426.

ClinVar aggregate classification (germline): Likely benign. Review status: criteria provided, multiple submitters, no conflicts (2 of 4 stars). 3 submissions from 3 submitters: Likely benign (3). Last evaluated 2024-07-16.

Conditions:
3-Methylglutaconic aciduria type 3 (MGCA3). Also called: OPA3, AUTOSOMAL RECESSIVE; OPTIC ATROPHY 3, AUTOSOMAL RECESSIVE; Costeff Syndrome; OPA3-Related 3-Methylglutaconic Aciduria. Identifiers: Orphanet 67047, MedGen C0574084, MONDO:0009787, OMIM 258501.
Optic atrophy 3 (OPA3). Also called: OPTIC ATROPHY 3, AUTOSOMAL DOMINANT; Optic atrophy 3 with cataract; Optic atrophy, cataract, and neurologic disorder. Identifiers: Orphanet 67036, MedGen C1833809, MONDO:0008133, OMIM 165300.

gnomAD v4.1: 10 of 1,613,168 alleles (0.00062%); highest among the groups gnomAD compares: East Asian, 0.0045%; no homozygotes.

Submissions (3):

Labcorp Genetics (formerly Invitae), Labcorp
Classification: Likely benign for 3-Methylglutaconic aciduria type 3; Optic atrophy 3. Last evaluated: 2024-07-16. Review status: criteria provided, single submitter. Criteria: Invitae Variant Classification Sherloc (09022015). Collection method: clinical testing. Allele origin: germline.

Blueprint Genetics
Classification: Likely benign. Last evaluated: 2024-01-24. Review status: criteria provided, single submitter. Criteria: ACMG Guidelines, 2015. Collection method: clinical testing. Allele origin: germline.

GeneDx
Classification: Likely benign. Last evaluated: 2017-05-17. Review status: criteria provided, single submitter. Criteria: GeneDx Variant Classification (06012015). Collection method: clinical testing. Allele origin: germline. Affected: yes.
Comment: This variant is considered likely benign or benign based on one or more of the following criteria: it is a conservative change, it occurs at a poorly conserved position in the protein, it is predicted to be benign by multiple in silico algorithms, and/or has population frequency not consistent with disease.